The following is an entry in ClinVar:

NM_000059.4(BRCA2):c.7734_7744del (p.Gly2578_Ile2579insTer)

Gene: BRCA2 (BRCA2 DNA repair associated; plus strand). Cytogenetic location: 13q13.1.
Variant type: Deletion.
Coding change: c.7734_7744del on transcript NM_000059.4 (MANE Select); coding-DNA positions 7734 to 7744, 11 bases deleted (AATACAGTTGG).
Protein change: p.Gly2578_Ile2579insTer.
Molecular consequence: frameshift variant. On other transcripts: nonsense (5).
Genome position (GRCh38, 1-based): chr13:32,357,858-32,357,868, AATACAGTTGG deleted; deleting any 11 consecutive bases within chr13:32,357,856-32,357,868 gives the same sequence; the c. name uses the placement nearest the transcript's 3' end. VCF-style (leftmost placement, unchanged base first): chr13-32357855-AGGAATACAGTT-A. GRCh37 (hg19) VCF-style: chr13-32931992-AGGAATACAGTT-A.
Other names: c.7638_7648delAATACAGTTGG, p.Ile2547Terfs (NM_001406719.1); c.7734_7744delAATACAGTTGG, p.Ile2579Terfs (NM_001406720.1); c.2802_2812delAATACAGTTGG, p.Ile935Terfs (NM_001406721.1); c.1317_1327delAATACAGTTGG, p.Ile440Terfs (NM_001406722.1); c.7734_7744del11 (NM_000059.3).
Identifiers: ClinVar variation 1760367 (VCV001760367.6), dbSNP rs2548542647, ClinGen allele CA2580087355.

ClinVar aggregate classification (germline): Pathogenic. Review status: criteria provided, multiple submitters, no conflicts (2 of 4 stars). 2 submissions from 2 submitters: Pathogenic (2). Last evaluated 2025-04-14.

Conditions:
Hereditary cancer-predisposing syndrome. Also called: Neoplastic Syndromes, Hereditary; Tumor predisposition; Hereditary Cancer Syndrome; Hereditary neoplastic syndrome. Identifiers: Orphanet 140162, MedGen C0027672, MeSH D009386, MONDO:0015356.
Hereditary breast ovarian cancer syndrome. Also called: Hereditary breast and/or ovarian cancer syndrome; Hereditary breast and ovarian cancer syndrome; Breast and ovarian cancer; Hereditary breast and ovarian cancer; BRCA1- and BRCA2-Associated Hereditary Breast and Ovarian Cancer; Hereditary breast and ovarian cancer syndrome (HBOC). Identifiers: Orphanet 145, MedGen C0677776, MeSH D061325, MONDO:0003582. Disease mechanism: loss of function.

Submissions (2):

Ambry Genetics
Classification: Pathogenic for Hereditary cancer-predisposing syndrome. Last evaluated: 2025-04-14. Review status: criteria provided, single submitter. Criteria: Ambry Variant Classification Scheme 2023. Collection method: clinical testing. Allele origin: germline.
Comment: The c.7734_7744del11 pathogenic mutation, located in coding exon 15 of the BRCA2 gene, results from a deletion of 11 nucleotides at nucleotide positions 7734 to 7744, causing a translational frameshift with a predicted alternate stop codon (p.I2579*). This variant is considered to be rare based on population cohorts in the Genome Aggregation Database (gnomAD). This alteration is expected to result in loss of function by premature protein truncation or nonsense-mediated mRNA decay. As such, this alteration is interpreted as a disease-causing mutation.

Labcorp Genetics (formerly Invitae), Labcorp
Classification: Pathogenic for Hereditary breast ovarian cancer syndrome. Last evaluated: 2024-02-19. Review status: criteria provided, single submitter. Criteria: Invitae Variant Classification Sherloc (09022015). Collection method: clinical testing. Allele origin: germline.
Comment: This sequence change creates a premature translational stop signal (p.Ile2579*) in the BRCA2 gene. It is expected to result in an absent or disrupted protein product. Loss-of-function variants in BRCA2 are known to be pathogenic (PMID: 20104584). This variant is not present in population databases (gnomAD no frequency). This premature translational stop signal has been observed in individual(s) with breast and/or ovarian cancer (PMID: 16683254). ClinVar contains an entry for this variant (Variation ID: 1760367). For these reasons, this variant has been classified as Pathogenic.

Literature cited by the submitters: PubMed 20104584 (cited by Labcorp Genetics (formerly Invitae), Labcorp); PubMed 16683254 (cited by Labcorp Genetics (formerly Invitae), Labcorp).